The following is an entry in ClinVar:

ClinVar aggregate classification (germline): Uncertain significance. Review status: criteria provided, multiple submitters, no conflicts (2 of 4 stars). 3 submissions from 3 submitters: Uncertain significance (3). Last evaluated 2025-05-14.

Conditions:
Hereditary cancer-predisposing syndrome. Also called: Tumor predisposition; Neoplastic Syndromes, Hereditary; Hereditary Cancer Syndrome; Hereditary neoplastic syndrome. Identifiers: Orphanet 140162, MedGen C0027672, MeSH D009386, MONDO:0015356.
POLD1-related polyposis and colorectal cancer syndrome (CRCS10). Also called: Colorectal cancer 10; COLORECTAL CANCER, SUSCEPTIBILITY TO, ON CHROMOSOME 19q; Colorectal cancer, susceptibility to, 10. Identifiers: Orphanet 220460, MedGen C2675481, MONDO:0012953, OMIM 612591.

Allele frequency attached by ClinVar (database versions not stated): gnomAD exomes below 0.00001; ExAC 0.00001; TOPMed 0.00002.
gnomAD v4.1: 4 of 1,613,098 alleles (0.00025%); highest among the groups gnomAD compares: Admixed American, 0.0017%; no homozygotes.

Submissions (3):

Ambry Genetics
Classification: Uncertain significance for Hereditary cancer-predisposing syndrome. Last evaluated: 2025-05-14. Review status: criteria provided, single submitter. Criteria: Ambry Variant Classification Scheme 2023. Collection method: clinical testing. Allele origin: germline.
Comment: The p.R889C variant (also known as c.2665C>T), located in coding exon 20 of the POLD1 gene, results from a C to T substitution at nucleotide position 2665. The arginine at codon 889 is replaced by cysteine, an amino acid with highly dissimilar properties. This amino acid position is highly conserved in available vertebrate species. In addition, this alteration is predicted to be tolerated by in silico analysis. Based on the available evidence, the clinical significance of this variant remains unclear.

Labcorp Genetics (formerly Invitae), Labcorp
Classification: Uncertain significance for POLD1-related polyposis and colorectal cancer syndrome. Last evaluated: 2024-11-27. Review status: criteria provided, single submitter. Criteria: Invitae Variant Classification Sherloc (09022015). Collection method: clinical testing. Allele origin: germline.
Comment: This sequence change replaces arginine, which is basic and polar, with cysteine, which is neutral and slightly polar, at codon 889 of the POLD1 protein (p.Arg889Cys). This variant is present in population databases (rs777468034, gnomAD 0.0009%). This variant has not been reported in the literature in individuals affected with POLD1-related conditions. ClinVar contains an entry for this variant (Variation ID: 578115). Invitae Evidence Modeling of protein sequence and biophysical properties (such as structural, functional, and spatial information, amino acid conservation, physicochemical variation, residue mobility, and thermodynamic stability) indicates that this missense variant is not expected to disrupt POLD1 protein function with a negative predictive value of 80%. In summary, the available evidence is currently insufficient to determine the role of this variant in disease. Therefore, it has been classified as a Variant of Uncertain Significance.

GeneDx
Classification: Uncertain significance. Last evaluated: 2019-06-20. Review status: criteria provided, single submitter. Criteria: GeneDx Variant Classification Process June 2021. Collection method: clinical testing. Allele origin: germline. Affected: yes.
Comment: Not observed at a significant frequency in large population cohorts (Lek et al., 2016); In silico analysis, which includes protein predictors and evolutionary conservation, supports a deleterious effect; Has not been previously published as pathogenic or benign to our knowledge

NM_002691.4(POLD1):c.2665C>T (p.Arg889Cys)

Gene: POLD1 (DNA polymerase delta 1, catalytic subunit; plus strand). Cytogenetic location: 19q13.33.
Variant type: single nucleotide variant.
Coding change: c.2665C>T on transcript NM_002691.4 (MANE Select); coding-DNA position 2665, C replaced by T.
Protein change: p.Arg889Cys; replaces arginine 889 with cysteine.
Molecular consequence: missense variant. On other transcripts: non-coding transcript variant (1).
Genome position (GRCh38, 1-based): chr19:50,415,538, C>T. VCF-style: chr19-50415538-C-T. GRCh37 (hg19) VCF-style: chr19-50918795-C-T.
Other names: c.2665C>T, p.Arg889Cys (NM_001256849.1); c.2743C>T, p.Arg915Cys (NM_001308632.1); c.2665C>T (NM_002691.2); short protein forms R889C, R915C.
Identifiers: ClinVar variation 578115 (VCV000578115.13), dbSNP rs777468034, ClinGen allele CA9596603.